The following is an entry in ClinVar:

ClinVar aggregate classification (germline): Uncertain significance. Review status: criteria provided, multiple submitters, no conflicts (2 of 4 stars). 3 submissions from 3 submitters: Uncertain significance (3). Last evaluated 2024-03-31.

Conditions:
Kabuki syndrome 1 (KABUK1). Also called: KMT2D-Related Kabuki Syndrome. Identifiers: Orphanet 2322, MedGen CN030661, MONDO:0007843, OMIM 147920.
Choanal atresia-athelia-hypothyroidism-delayed puberty-short stature syndrome (BCAHH). Also called: BRANCHIAL ARCH ABNORMALITIES, CHOANAL ATRESIA, ATHELIA, HEARING LOSS, AND HYPOTHYROIDISM SYNDROME. Identifiers: Orphanet 589856, MedGen C5680310, MONDO:0035651, OMIM 620186.
Kabuki syndrome. Also called: NIIKAWA-KUROKI SYNDROME; Kabuki make-up syndrome. Identifiers: Orphanet 2322, MedGen C0796004, MONDO:0016512.

Allele frequency attached by ClinVar (database versions not stated): TOPMed below 0.00001.
gnomAD v4.1: 11 of 1,551,768 alleles (0.00071%); highest among the groups gnomAD compares: Non-Finnish European, 0.00096%; no homozygotes.

Submissions (3):

Fulgent Genetics
Classification: Uncertain significance for Kabuki syndrome 1; Choanal atresia-athelia-hypothyroidism-delayed puberty-short stature syndrome. Last evaluated: 2024-03-31. Review status: criteria provided, single submitter. Criteria: ACMG Guidelines, 2015. Collection method: clinical testing. Allele origin: germline.

Labcorp Genetics (formerly Invitae), Labcorp
Classification: Uncertain significance for Kabuki syndrome. Last evaluated: 2024-01-25. Review status: criteria provided, single submitter. Criteria: Invitae Variant Classification Sherloc (09022015). Collection method: clinical testing. Allele origin: germline.
Comment: This sequence change replaces glutamine, which is neutral and polar, with glutamic acid, which is acidic and polar, at codon 2811 of the KMT2D protein (p.Gln2811Glu). This variant is not present in population databases (gnomAD no frequency). This variant has not been reported in the literature in individuals affected with KMT2D-related conditions. ClinVar contains an entry for this variant (Variation ID: 989258). Advanced modeling of protein sequence and biophysical properties (such as structural, functional, and spatial information, amino acid conservation, physicochemical variation, residue mobility, and thermodynamic stability) performed at Invitae indicates that this missense variant is not expected to disrupt KMT2D protein function with a negative predictive value of 95%. In summary, the available evidence is currently insufficient to determine the role of this variant in disease. Therefore, it has been classified as a Variant of Uncertain Significance.

Illumina Laboratory Services, Illumina
Classification: Uncertain significance for Kabuki syndrome 1. Last evaluated: 2019-04-16. Review status: criteria provided, single submitter. Criteria: ICSLVariantClassificationCriteria RUGD 01 April 2020. Collection method: clinical testing. Allele origin: unknown.
Comment: The KMT2D c.8431C>G (p.Gln2811Glu) variant is a missense variant. A literature search was performed for the gene, cDNA change, and amino acid change. No publications were found based on this search. This variant is not found in the Genome Aggregation Database in a region of good sequence coverage, so the variant is presumed to be rare. Based on the limited evidence, the p.Gln2811Glu variant is classified as a variant of uncertain significance for Kabuki syndrome.

NM_003482.4(KMT2D):c.8431C>G (p.Gln2811Glu)

Gene: KMT2D (lysine methyltransferase 2D; minus strand). Cytogenetic location: 12q13.12.
Variant type: single nucleotide variant.
Coding change: c.8431C>G on transcript NM_003482.4 (MANE Select); coding-DNA position 8431, C replaced by G.
Protein change: p.Gln2811Glu; replaces glutamine 2811 with glutamic acid.
Molecular consequence: missense variant.
Genome position (GRCh38, 1-based): chr12:49,038,925, G>C on the plus strand (C>G on the coding strand, the complement: KMT2D is on the minus strand). VCF-style: chr12-49038925-G-C. GRCh37 (hg19) VCF-style: chr12-49432708-G-C.
Other names: short protein forms Q2811E.
Identifiers: ClinVar variation 989258 (VCV000989258.9), dbSNP rs1465332696, ClinGen allele CA384742317.